The following is an entry in ClinVar:

NM_002439.5(MSH3):c.2086G>C (p.Val696Leu)

Gene: MSH3 (mutS homolog 3; plus strand). Cytogenetic location: 5q14.1.
Variant type: single nucleotide variant.
Coding change: c.2086G>C on transcript NM_002439.5 (MANE Select); coding-DNA position 2086, G replaced by C.
Protein change: p.Val696Leu; replaces valine 696 with leucine.
Molecular consequence: missense variant.
Genome position (GRCh38, 1-based): chr5:80,768,836, G>C. VCF-style: chr5-80768836-G-C. GRCh37 (hg19) VCF-style: chr5-80064655-G-C.
Other names: short protein forms V696L.
Identifiers: ClinVar variation 3690061 (VCV003690061.2).
Genomic context (GRCh38, chr5:80,768,836, plus strand): 5'-GCGATAACTGCTGTAATTAATAAACTTCGAATATGTATTTGCATGTTTTGATTTTTTAGA[G>C]TTGGGGATAAAACTGAATTATTTAAAGACCTTTCTGACTTCCCTTTAATAAAAAAGAGGA-3'
Protein context (NP_002430.3, residues 686-706): LKILNEQAAK[Val696Leu]GDKTELFKDL

ClinVar aggregate classification (germline): Uncertain significance (1 of 4 stars; one submission).

Submission:

Labcorp Genetics (formerly Invitae), Labcorp
Classification: Uncertain significance. Last evaluated: 2024-09-29. Review status: criteria provided, single submitter. Criteria: Invitae Variant Classification Sherloc (09022015). Collection method: clinical testing. Allele origin: germline.
Comment: This sequence change replaces valine, which is neutral and non-polar, with leucine, which is neutral and non-polar, at codon 696 of the MSH3 protein (p.Val696Leu). This variant is not present in population databases (gnomAD no frequency). This variant has not been reported in the literature in individuals affected with MSH3-related conditions. An algorithm developed to predict the effect of missense changes on protein structure and function (PolyPhen-2) suggests that this variant is likely to be tolerated. In summary, the available evidence is currently insufficient to determine the role of this variant in disease. Therefore, it has been classified as a Variant of Uncertain Significance.